The following is an entry in ClinVar:

NM_001077350.3(NPRL3):c.832T>G (p.Cys278Gly)

Genes: HBA-LCR (alpha-globin locus control region; plus strand), NPRL3 (NPR3 like, GATOR1 complex subunit; minus strand). Cytogenetic location: 16p13.3.
Variant type: single nucleotide variant.
Coding change: c.832T>G on transcript NM_001077350.3 (MANE Select); coding-DNA position 832, T replaced by G.
Protein change: p.Cys278Gly; replaces cysteine 278 with glycine.
Molecular consequence: missense variant.
Genome position (GRCh38, 1-based): chr16:98,237, A>C on the plus strand (T>G on the coding strand, the complement: NPRL3 is on the minus strand). VCF-style: chr16-98237-A-C. GRCh37 (hg19) VCF-style: chr16-148235-A-C.
Other names: c.295T>G, p.Cys99Gly (NM_001039476.3); c.598T>G, p.Cys200Gly (NM_001243247.2); c.757T>G, p.Cys253Gly (NM_001243248.2, NM_001243249.2); short protein forms C253G, C278G, C200G, C99G.
Identifiers: ClinVar variation 2985629 (VCV002985629.3), dbSNP rs2527142515, ClinGen allele CA394055453.

ClinVar aggregate classification (germline): Uncertain significance (1 of 4 stars; one submission).

Conditions:
Epilepsy, familial focal, with variable foci 3 (FFEVF3). Identifiers: MedGen C4310708, MONDO:0014925, OMIM 617118.

Allele frequency attached by ClinVar (database versions not stated): gnomAD exomes 0.00002.
gnomAD v4.1: 16 of 1,613,992 alleles (0.00099%); highest among the groups gnomAD compares: Non-Finnish European, 0.0014%; no homozygotes.

Submission:

Labcorp Genetics (formerly Invitae), Labcorp
Classification: Uncertain significance for Epilepsy, familial focal, with variable foci 3. Last evaluated: 2024-02-19. Review status: criteria provided, single submitter. Criteria: Invitae Variant Classification Sherloc (09022015). Collection method: clinical testing. Allele origin: germline.
Comment: This sequence change replaces cysteine, which is neutral and slightly polar, with glycine, which is neutral and non-polar, at codon 278 of the NPRL3 protein (p.Cys278Gly). This variant is not present in population databases (gnomAD no frequency). This variant has not been reported in the literature in individuals affected with NPRL3-related conditions. Advanced modeling of protein sequence and biophysical properties (such as structural, functional, and spatial information, amino acid conservation, physicochemical variation, residue mobility, and thermodynamic stability) performed at Invitae indicates that this missense variant is not expected to disrupt NPRL3 protein function with a negative predictive value of 80%. In summary, the available evidence is currently insufficient to determine the role of this variant in disease. Therefore, it has been classified as a Variant of Uncertain Significance.